The following is an entry in ClinVar:

ClinVar aggregate classification (germline): Uncertain significance. Review status: criteria provided, multiple submitters, no conflicts (2 of 4 stars). 5 submissions from 5 submitters: Uncertain significance (5). Last evaluated 2026-01-07.

Conditions:
CEP164-related disorder. Also called: CEP164-related condition.
Nephronophthisis 15 (NPHP15). Identifiers: Orphanet 3156, MedGen C3541853, MONDO:0013917, OMIM 614845.
Inborn genetic diseases. Identifiers: MedGen C0950123, MeSH D030342.

Allele frequency attached by ClinVar (database versions not stated): gnomAD exomes 0.00004; gnomAD 0.00005; ESP Exome Variant Server 0.00008; TOPMed 0.00008; ExAC 0.00003.
gnomAD v4.1: 185 of 1,610,054 alleles (0.011%); highest among the groups gnomAD compares: Non-Finnish European, 0.014%; no homozygotes.

Submissions (5):

PreventionGenetics, part of Exact Sciences
Classification: Uncertain significance for CEP164-related condition. Last evaluated: 2026-01-07. Review status: criteria provided, single submitter. Criteria: ACMG Guidelines, 2015. Collection method: clinical testing. Allele origin: germline.
Comment: The CEP164 c.2921C>T variant is predicted to result in the amino acid substitution p.Thr974Ile. To our knowledge, this variant has not been reported in the literature. This variant is reported in 0.0087% of alleles in individuals of European (Non-Finnish) descent in gnomAD. At this time, the clinical significance of this variant is uncertain due to the absence of conclusive functional and genetic evidence.

Ambry Genetics
Classification: Uncertain significance for Inborn genetic diseases. Last evaluated: 2025-08-31. Review status: criteria provided, single submitter. Criteria: Ambry Variant Classification Scheme 2023. Collection method: clinical testing. Allele origin: germline.

Labcorp Genetics (formerly Invitae), Labcorp
Classification: Uncertain significance for Nephronophthisis 15. Last evaluated: 2025-01-13. Review status: criteria provided, single submitter. Criteria: Invitae Variant Classification Sherloc (09022015). Collection method: clinical testing. Allele origin: germline.
Comment: This sequence change replaces threonine, which is neutral and polar, with isoleucine, which is neutral and non-polar, at codon 974 of the CEP164 protein (p.Thr974Ile). This variant is present in population databases (rs150451678, gnomAD 0.009%). This variant has not been reported in the literature in individuals affected with CEP164-related conditions. ClinVar contains an entry for this variant (Variation ID: 1024405). Invitae Evidence Modeling of protein sequence and biophysical properties (such as structural, functional, and spatial information, amino acid conservation, physicochemical variation, residue mobility, and thermodynamic stability) indicates that this missense variant is not expected to disrupt CEP164 protein function with a negative predictive value of 80%. In summary, the available evidence is currently insufficient to determine the role of this variant in disease. Therefore, it has been classified as a Variant of Uncertain Significance.

GeneDx
Classification: Uncertain significance. Last evaluated: 2024-11-02. Review status: criteria provided, single submitter. Criteria: GeneDx Variant Classification Process June 2021. Collection method: clinical testing. Allele origin: germline. Affected: yes.
Comment: In silico analysis supports that this missense variant has a deleterious effect on protein structure/function; Has not been previously published as pathogenic or benign to our knowledge

Blueprint Genetics
Classification: Uncertain significance. Last evaluated: 2022-05-13. Review status: criteria provided, single submitter. Criteria: ACMG Guidelines, 2015. Collection method: clinical testing. Allele origin: germline.

NM_014956.5(CEP164):c.2921C>T (p.Thr974Ile)

Gene: CEP164 (centrosomal protein 164; plus strand). Cytogenetic location: 11q23.3.
Variant type: single nucleotide variant.
Coding change: c.2921C>T on transcript NM_014956.5 (MANE Select); coding-DNA position 2921, C replaced by T.
Protein change: p.Thr974Ile; replaces threonine 974 with isoleucine.
Molecular consequence: missense variant.
Genome position (GRCh38, 1-based): chr11:117,395,554, C>T. VCF-style: chr11-117395554-C-T. GRCh37 (hg19) VCF-style: chr11-117266270-C-T.
Other names: c.2930C>T, p.Thr977Ile (NM_001271933.2); c.2921C>T (NM_014956.4); short protein forms T974I, T977I.
Identifiers: ClinVar variation 1024405 (VCV001024405.9), dbSNP rs150451678, ClinGen allele CA6295286.